The following is an entry in ClinVar:

ClinVar aggregate classification (germline): Uncertain significance (1 of 4 stars; one submission).

Submission:

Labcorp Genetics (formerly Invitae), Labcorp
Classification: Uncertain significance. Last evaluated: 2023-01-28. Review status: criteria provided, single submitter. Criteria: Invitae Variant Classification Sherloc (09022015). Collection method: clinical testing. Allele origin: unknown.
Comment: In summary, the available evidence is currently insufficient to determine the role of this variant in disease. Therefore, it has been classified as a Variant of Uncertain Significance. Experimental studies and prediction algorithms are not available or were not evaluated, and the functional significance of this variant is currently unknown. This variant has not been reported in the literature in individuals affected with C3-related conditions. This variant results in a copy number gain of the genomic region encompassing exon(s) 1-15 of the C3 gene. This region includes the initiator codon of the gene. This copy number gain extends beyond the assayed region for this gene and therefore may encompass additional genes. As the precise location of this event is unknown, it may be in tandem or it may be located elsewhere in the genome.

NC_000019.9:g.(?_6707791)_(6720600_?)dup

Gene: C3 (complement C3; minus strand). Cytogenetic location: 19p13.3.
Variant type: Duplication.
Identifiers: ClinVar variation 3242630 (VCV003242630.1).